The following is an entry in ClinVar:

NM_018979.4(WNK1):c.5208C>T (p.Thr1736=)

Gene: WNK1 (WNK lysine deficient protein kinase 1; plus strand). Cytogenetic location: 12p13.33.
Variant type: single nucleotide variant.
Coding change: c.5208C>T on transcript NM_018979.4 (MANE Select); coding-DNA position 5208, C replaced by T.
Protein change: p.Thr1736=; no amino-acid change (threonine 1736 retained).
Molecular consequence: synonymous variant.
Genome position (GRCh38, 1-based): chr12:886,012, C>T. VCF-style: chr12-886012-C-T. GRCh37 (hg19) VCF-style: chr12-995178-C-T.
Other names: c.5988C>T, p.Thr1996= (NM_001184985.2); c.4467C>T, p.Thr1489= (NM_014823.3); c.5964C>T, p.Thr1988= (NM_213655.5).
Identifiers: ClinVar variation 3025114 (VCV003025114.22), dbSNP rs1953609969, ClinGen allele CA477851536.

ClinVar aggregate classification (germline): Likely benign (1 of 4 stars; one submission).

Allele frequency attached by ClinVar (database versions not stated): gnomAD exomes below 0.00001; TOPMed below 0.00001.
gnomAD v4.1: 2 of 1,593,410 alleles (0.00013%); highest among the groups gnomAD compares: Non-Finnish European, 0.00017%; no homozygotes.

Submission:

CeGaT Center for Human Genetics Tuebingen
Classification: Likely benign. Last evaluated: 2024-01-01. Review status: criteria provided, single submitter. Criteria: CeGaT Center For Human Genetics Tuebingen Variant Classification Criteria Version 2. Collection method: clinical testing. Allele origin: germline. Affected: yes. Observed: 1 variant allele.
Comment: WNK1: PM2:Supporting, BP4, BP7